The following is an entry in ClinVar:

NM_017780.4(CHD7):c.5784G>C (p.Gln1928His)

Gene: CHD7 (chromodomain helicase DNA binding protein 7; plus strand). Cytogenetic location: 8q12.2.
Variant type: single nucleotide variant.
Coding change: c.5784G>C on transcript NM_017780.4 (MANE Select); coding-DNA position 5784, G replaced by C.
Protein change: p.Gln1928His; replaces glutamine 1928 with histidine.
Molecular consequence: missense variant. On other transcripts: intron variant (1).
Genome position (GRCh38, 1-based): chr8:60,852,137, G>C. VCF-style: chr8-60852137-G-C. GRCh37 (hg19) VCF-style: chr8-61764696-G-C.
Other names: c.5784G>C (NM_017780.2); c.1717-10092G>C (NM_001316690.1); short protein forms Q1928H.
Identifiers: ClinVar variation 1523627 (VCV001523627.9), dbSNP rs2150807812, ClinGen allele CA371322857.

ClinVar aggregate classification (germline): Uncertain significance. Review status: criteria provided, multiple submitters, no conflicts (2 of 4 stars). 2 submissions from 2 submitters: Uncertain significance (2). Last evaluated 2023-12-03.

Conditions:
CHARGE syndrome (CHARGE). Also called: Coloboma, heart anomaly, choanal atresia, retardation, genital and ear anomalies; CHARGE association; Hall-Hittner syndrome; Hittner Hirsch Kreh syndrome; CHARGE ASSOCIATION--COLOBOMA, HEART ANOMALY, CHOANAL ATRESIA, RETARDATION, GENITAL AND EAR ANOMALIES. Identifiers: Orphanet 138, MedGen C0265354, MONDO:0008965.

Submissions (2):

GeneDx
Classification: Uncertain significance. Last evaluated: 2023-12-03. Review status: criteria provided, single submitter. Criteria: GeneDx Variant Classification Process June 2021. Collection method: clinical testing. Allele origin: germline. Affected: yes.
Comment: Not observed at significant frequency in large population cohorts (gnomAD); In silico analysis supports that this missense variant has a deleterious effect on protein structure/function; Has not been previously published as pathogenic or benign to our knowledge

Labcorp Genetics (formerly Invitae), Labcorp
Classification: Uncertain significance for CHARGE syndrome. Last evaluated: 2022-07-06. Review status: criteria provided, single submitter. Criteria: Invitae Variant Classification Sherloc (09022015). Collection method: clinical testing. Allele origin: germline.
Comment: ClinVar contains an entry for this variant (Variation ID: 1523627). This variant has not been reported in the literature in individuals affected with CHD7-related conditions. This variant is not present in population databases (gnomAD no frequency). This sequence change replaces glutamine, which is neutral and polar, with histidine, which is basic and polar, at codon 1928 of the CHD7 protein (p.Gln1928His). Advanced modeling of protein sequence and biophysical properties (such as structural, functional, and spatial information, amino acid conservation, physicochemical variation, residue mobility, and thermodynamic stability) performed at Invitae indicates that this missense variant is not expected to disrupt CHD7 protein function. In summary, the available evidence is currently insufficient to determine the role of this variant in disease. Therefore, it has been classified as a Variant of Uncertain Significance.